The following is an entry in ClinVar:

ClinVar aggregate classification (germline): Uncertain significance. Review status: criteria provided, multiple submitters, no conflicts (2 of 4 stars). 4 submissions from 4 submitters: Uncertain significance (3). 1 of the submissions does not count toward it. Last evaluated 2025-08-29.

Conditions:
Hereditary cancer-predisposing syndrome. Also called: Neoplastic Syndromes, Hereditary; Hereditary neoplastic syndrome; Hereditary Cancer Syndrome; Tumor predisposition. Identifiers: Orphanet 140162, MedGen C0027672, MeSH D009386, MONDO:0015356.
Fanconi anemia (FA). Also called: Fanconi's anemia. Identifiers: Orphanet 84, MedGen C0015625, MeSH D005199, MONDO:0019391.

Allele frequency attached by ClinVar (database versions not stated): ExAC 0.00001; gnomAD 0.00001; gnomAD exomes 0.00001 and 0.00002; TOPMed 0.00002; ESP Exome Variant Server 0.00008.
gnomAD v4.1: 23 of 1,613,862 alleles (0.0014%); highest among the groups gnomAD compares: East Asian, 0.0067%; no homozygotes.

Submissions (4):

Ambry Genetics
Classification: Uncertain significance for Hereditary cancer-predisposing syndrome. Last evaluated: 2025-08-29. Review status: criteria provided, single submitter. Criteria: Ambry Variant Classification Scheme 2023. Collection method: clinical testing. Allele origin: germline.
Comment: The p.R555Q variant (also known as c.1664G>A), located in coding exon 14 of the FANCC gene, results from a G to A substitution at nucleotide position 1664. The arginine at codon 555 is replaced by glutamine, an amino acid with highly similar properties. This amino acid position is poorly conserved in available vertebrate species. In addition, this alteration is predicted to be tolerated by in silico analysis. Since supporting evidence is limited at this time, the clinical significance of this alteration remains unclear.

Labcorp Genetics (formerly Invitae), Labcorp
Classification: Uncertain significance for Fanconi anemia. Last evaluated: 2025-06-02. Review status: criteria provided, single submitter. Criteria: Invitae Variant Classification Sherloc (09022015). Collection method: clinical testing. Allele origin: germline.
Comment: This sequence change replaces arginine, which is basic and polar, with glutamine, which is neutral and polar, at codon 555 of the FANCC protein (p.Arg555Gln). This variant is present in population databases (rs369636116, gnomAD 0.01%). This variant has not been reported in the literature in individuals affected with FANCC-related conditions. ClinVar contains an entry for this variant (Variation ID: 449894). An algorithm developed to predict the effect of missense changes on protein structure and function outputs the following: PolyPhen-2: "Benign". The glutamine amino acid residue is found in multiple mammalian species, which suggests that this missense change does not adversely affect protein function. In summary, the available evidence is currently insufficient to determine the role of this variant in disease. Therefore, it has been classified as a Variant of Uncertain Significance.

GeneDx
Classification: Uncertain significance. Last evaluated: 2024-01-12. Review status: criteria provided, single submitter. Criteria: GeneDx Variant Classification Process June 2021. Collection method: clinical testing. Allele origin: germline. Affected: yes.
Comment: Not observed at significant frequency in large population cohorts (gnomAD); In silico analysis supports that this missense variant does not alter protein structure/function; Has not been previously published as pathogenic or benign to our knowledge; This variant is associated with the following publications: (PMID: 22810696, Gordon2000[Book])

Natera, Inc.
Classification: Uncertain significance for Fanconi anemia. Last evaluated: 2017-10-17. Review status: no assertion criteria provided. Collection method: clinical testing. Allele origin: germline. Not counted in ClinVar's aggregate classification.

NM_000136.3(FANCC):c.1664G>A (p.Arg555Gln)

Genes: FANCC (FA complementation group C; minus strand), AOPEP (aminopeptidase O (putative); plus strand). Cytogenetic location: 9q22.32.
Variant type: single nucleotide variant.
Coding change: c.1664G>A on transcript NM_000136.3 (MANE Select); coding-DNA position 1664, G replaced by A.
Protein change: p.Arg555Gln; replaces arginine 555 with glutamine.
Molecular consequence: missense variant.
Genome position (GRCh38, 1-based): chr9:95,101,720, C>T on the plus strand (G>A on the coding strand, the complement: FANCC is on the minus strand). VCF-style: chr9-95101720-C-T. GRCh37 (hg19) VCF-style: chr9-97864002-C-T.
Other names: c.1664G>A, p.Arg555Gln (NM_001243743.2); short protein forms R555Q.
Identifiers: ClinVar variation 449894 (VCV000449894.16), dbSNP rs369636116, ClinGen allele CA5137286.